The following is an entry in ClinVar:

NM_007294.4(BRCA1):c.1962dup (p.Tyr655fs)

Gene: BRCA1 (BRCA1 DNA repair associated; minus strand). Cytogenetic location: 17q21.31.
Variant type: Duplication.
Coding change: c.1962dup on transcript NM_007294.4 (MANE Select); coding-DNA position 1962, one base duplicated (G; older notation c.1962dupG).
Protein change: p.Tyr655fs; shifts the reading frame from tyrosine 655.
Molecular consequence: frameshift variant. On other transcripts: intron variant (137).
Genome position (GRCh38, 1-based): chr17:43,093,569, C duplicated on the plus strand (G on the coding strand, the reverse complement: BRCA1 is on the minus strand). VCF-style (leftmost placement, unchanged base first): chr17-43093568-A-AC. GRCh37 (hg19) VCF-style: chr17-41245585-A-AC.
Other names: c.1821dup, p.Tyr608fs (NM_001407698.1, NM_001407724.1, NM_001407725.1 and 29 more transcripts); c.1818dup, p.Tyr607fs (NM_001407740.1, NM_001407741.1, NM_001407742.1 and 20 more transcripts); c.1749dup, p.Tyr584fs (NM_001407853.1, NM_001407894.1, NM_001407895.1 and 9 more transcripts); c.1962dup, p.Tyr655fs (NM_001407854.1, NM_001407858.1, NM_001407859.1 and 30 more transcripts); c.1959dup, p.Tyr654fs (NM_001407860.1, NM_001407861.1, NM_001407587.1 and 22 more transcripts); c.1761dup, p.Tyr588fs (NM_001407862.1); c.1839dup, p.Tyr614fs (NM_001407863.1, NM_001407919.1, NM_001407937.1 and 19 more transcripts); c.1758dup, p.Tyr587fs (NM_001407874.1, NM_001407875.1); and 40 more; short protein forms Y608fs, Y655fs, Y359fs, Y544fs, Y567fs, Y588fs, Y614fs, Y543fs.
Identifiers: ClinVar variation 584953 (VCV000584953.14), dbSNP rs1567797549, ClinGen allele CA891844201.
Genomic context (GRCh38, chr17:43,093,568, plus strand): 5'-CAGGTTCTTTACCTTCCATGAGTTGTAGGTTTCTGCTGTGCCTGACTGGCATTTGGTTGT[A>AC]CTTTTTTTTCTTTATCTCTTCACTGCTAGAACAACTATCAATTTGCAATTCAGTACAATT-3'

ClinVar aggregate classification (germline): Pathogenic. Review status: criteria provided, multiple submitters, no conflicts (2 of 4 stars). 2 submissions from 2 submitters: Pathogenic (2). Last evaluated 2019-05-28.

Conditions:
Breast-ovarian cancer, familial, susceptibility to, 1 (BROVCA1). Also called: BRCA1 Hereditary Breast and Ovarian Cancer; OVARIAN CANCER, SUSCEPTIBILITY TO. Identifiers: Orphanet 145, MedGen C2676676, MONDO:0011450, OMIM 604370. Disease mechanism: loss of function.
Hereditary breast ovarian cancer syndrome. Also called: Hereditary breast and ovarian cancer; Hereditary breast and ovarian cancer syndrome; Hereditary breast and ovarian cancer syndrome (HBOC); Breast and ovarian cancer; BRCA1- and BRCA2-Associated Hereditary Breast and Ovarian Cancer; Hereditary breast and/or ovarian cancer syndrome. Identifiers: Orphanet 145, MedGen C0677776, MeSH D061325, MONDO:0003582. Disease mechanism: loss of function.

Submissions (2):

Mendelics
Classification: Pathogenic for Breast-ovarian cancer, familial, susceptibility to, 1. Last evaluated: 2019-05-28. Review status: criteria provided, single submitter. Criteria: Mendelics Assertion Criteria 2017. Collection method: clinical testing. Allele origin: unknown.

Labcorp Genetics (formerly Invitae), Labcorp
Classification: Pathogenic for Hereditary breast ovarian cancer syndrome. Last evaluated: 2018-05-08. Review status: criteria provided, single submitter. Criteria: Invitae Variant Classification Sherloc (09022015). Collection method: clinical testing. Allele origin: germline.
Comment: This sequence change creates a premature translational stop signal (p.Tyr655Valfs*18) in the BRCA1 gene. It is expected to result in an absent or disrupted protein product. This variant is not present in population databases (ExAC no frequency). This variant has been observed in a family affected with breast cancer (PMID: 27741520). A different variant (c.1961dupA) giving rise to the same protein effect observed here (p.Tyr655Valfs*18) has been reported in individuals with breast, ovarian, and prostate cancer (PMID: 7837387, 21324516, 22516946, 22970155, 21559243). The c.1961dupA variant is also known as 2080insA in the literature. Loss-of-function variants in BRCA1 are known to be pathogenic (PMID: 20104584). For these reasons, this variant has been classified as Pathogenic.

Literature cited by the submitters: PubMed 27741520 (cited by Labcorp Genetics (formerly Invitae), Labcorp); PubMed 7837387 (cited by Labcorp Genetics (formerly Invitae), Labcorp); PubMed 21324516 (cited by Labcorp Genetics (formerly Invitae), Labcorp); PubMed 22516946 (cited by Labcorp Genetics (formerly Invitae), Labcorp); PubMed 22970155 (cited by Labcorp Genetics (formerly Invitae), Labcorp); PubMed 21559243 (cited by Labcorp Genetics (formerly Invitae), Labcorp); PubMed 20104584 (cited by Labcorp Genetics (formerly Invitae), Labcorp).